The following is an entry in ClinVar:

ClinVar aggregate classification (germline): Uncertain significance (1 of 4 stars; one submission).

Conditions:
Kabuki syndrome. Also called: NIIKAWA-KUROKI SYNDROME; Kabuki make-up syndrome. Identifiers: Orphanet 2322, MedGen C0796004, MONDO:0016512.

Submission:

Labcorp Genetics (formerly Invitae), Labcorp
Classification: Uncertain significance for Kabuki syndrome. Last evaluated: 2024-04-29. Review status: criteria provided, single submitter. Criteria: Invitae Variant Classification Sherloc (09022015). Collection method: clinical testing. Allele origin: germline.
Comment: This sequence change replaces proline, which is neutral and non-polar, with arginine, which is basic and polar, at codon 683 of the KMT2D protein (p.Pro683Arg). This variant is not present in population databases (gnomAD no frequency). This variant has not been reported in the literature in individuals affected with KMT2D-related conditions. Advanced modeling of protein sequence and biophysical properties (such as structural, functional, and spatial information, amino acid conservation, physicochemical variation, residue mobility, and thermodynamic stability) performed at Invitae indicates that this missense variant is not expected to disrupt KMT2D protein function with a negative predictive value of 95%. In summary, the available evidence is currently insufficient to determine the role of this variant in disease. Therefore, it has been classified as a Variant of Uncertain Significance.

NM_003482.4(KMT2D):c.2048C>G (p.Pro683Arg)

Gene: KMT2D (lysine methyltransferase 2D; minus strand). Cytogenetic location: 12q13.12.
Variant type: single nucleotide variant.
Coding change: c.2048C>G on transcript NM_003482.4 (MANE Select); coding-DNA position 2048, C replaced by G.
Protein change: p.Pro683Arg; replaces proline 683 with arginine.
Molecular consequence: missense variant.
Genome position (GRCh38, 1-based): chr12:49,051,635, G>C on the plus strand (C>G on the coding strand, the complement: KMT2D is on the minus strand). VCF-style: chr12-49051635-G-C. GRCh37 (hg19) VCF-style: chr12-49445418-G-C.
Other names: short protein forms P683R.
Identifiers: ClinVar variation 3678153 (VCV003678153.2).